The following is an entry in ClinVar:

ClinVar aggregate classification (germline): Uncertain significance. Review status: criteria provided, multiple submitters, no conflicts (2 of 4 stars). 2 submissions from 2 submitters: Uncertain significance (2). Last evaluated 2025-03-15.

Conditions:
Inborn genetic diseases. Identifiers: MedGen C0950123, MeSH D030342.
FANCM-related disorder. Also called: FANCM-related condition.

Submissions (2):

Ambry Genetics
Classification: Uncertain significance for Inborn genetic diseases. Last evaluated: 2025-03-15. Review status: criteria provided, single submitter. Criteria: Ambry Variant Classification Scheme 2023. Collection method: clinical testing. Allele origin: germline.
Comment: The p.D1513G variant (also known as c.4538A>G), located in coding exon 18 of the FANCM gene, results from an A to G substitution at nucleotide position 4538. The aspartic acid at codon 1513 is replaced by glycine, an amino acid with similar properties. This amino acid position is conserved. In addition, the in silico prediction for this alteration is inconclusive. Based on the available evidence, the clinical significance of this variant remains unclear.

PreventionGenetics, part of Exact Sciences
Classification: Uncertain significance for FANCM-related condition. Last evaluated: 2023-10-05. Review status: criteria provided, single submitter. Criteria: ACMG Guidelines, 2015. Collection method: clinical testing. Allele origin: germline.
Comment: The FANCM c.4538A>G variant is predicted to result in the amino acid substitution p.Asp1513Gly. To our knowledge, this variant has not been reported in the literature or in a large population database, indicating this variant is rare. At this time, the clinical significance of this variant is uncertain due to the absence of conclusive functional and genetic evidence.

NM_020937.4(FANCM):c.4538A>G (p.Asp1513Gly)

Gene: FANCM (FA complementation group M; plus strand). Cytogenetic location: 14q21.2.
Variant type: single nucleotide variant.
Coding change: c.4538A>G on transcript NM_020937.4 (MANE Select); coding-DNA position 4538, A replaced by G.
Protein change: p.Asp1513Gly; replaces aspartic acid 1513 with glycine.
Molecular consequence: missense variant.
Genome position (GRCh38, 1-based): chr14:45,185,239, A>G. VCF-style: chr14-45185239-A-G. GRCh37 (hg19) VCF-style: chr14-45654442-A-G.
Other names: c.4460A>G, p.Asp1487Gly (NM_001308133.2); short protein forms D1487G, D1513G.
Identifiers: ClinVar variation 2633943 (VCV002633943.2), dbSNP rs2503228351, ClinGen allele CA389608093.
Genomic context (GRCh38, chr14:45,185,239, plus strand): 5'-CACTGATATCTTCATGTTTTCTAATTTGTCTTACTTAGCATGTAGCTAGGAAGTTTTTAG[A>G]TGATGAAGCAGAACTTTCTGAAGAAGATGCAGAATATGTTTCATCAGATGAAAATGATGA-3'
Protein context (NP_065988.1, residues 1503-1523): HLKHVARKFL[Asp1513Gly]DEAELSEEDA